The following is an entry in ClinVar:

NM_005751.5(AKAP9):c.10708G>A (p.Glu3570Lys)

Gene: AKAP9 (A-kinase anchoring protein 9; plus strand). Cytogenetic location: 7q21.2.
Variant type: single nucleotide variant.
Coding change: c.10708G>A on transcript NM_005751.5 (MANE Select); coding-DNA position 10708, G replaced by A.
Protein change: p.Glu3570Lys; replaces glutamic acid 3570 with lysine.
Molecular consequence: missense variant.
Genome position (GRCh38, 1-based): chr7:92,098,209, G>A. VCF-style: chr7-92098209-G-A. GRCh37 (hg19) VCF-style: chr7-91727523-G-A.
Other names: c.5353G>A, p.Glu1785Lys (NM_001379277.1); c.10684G>A, p.Glu3562Lys (NM_147185.3); short protein forms E1785K, E3570K, E3562K.
Identifiers: ClinVar variation 3657618 (VCV003657618.2).

ClinVar aggregate classification (germline): Uncertain significance (1 of 4 stars; one submission).

Conditions:
Long QT syndrome (LQTS). Identifiers: MedGen C0023976, MeSH D008133, MONDO:0002442. Disease mechanism: loss of function. Inheritance: Various modes of inheritance.

gnomAD v4.1: 1 of 1,588,982 alleles (0.000063%); highest among the groups gnomAD compares: Non-Finnish European, 0.000086%; no homozygotes.

Submission:

Labcorp Genetics (formerly Invitae), Labcorp
Classification: Uncertain significance for Long QT syndrome. Last evaluated: 2024-06-24. Review status: criteria provided, single submitter. Criteria: Invitae Variant Classification Sherloc (09022015). Collection method: clinical testing. Allele origin: germline.
Comment: This sequence change replaces glutamic acid, which is acidic and polar, with lysine, which is basic and polar, at codon 3570 of the AKAP9 protein (p.Glu3570Lys). This variant is not present in population databases (gnomAD no frequency). This variant has not been reported in the literature in individuals affected with AKAP9-related conditions. Algorithms developed to predict the effect of missense changes on protein structure and function output the following: SIFT: "Not Available"; PolyPhen-2: "Benign"; Align-GVGD: "Not Available". The lysine amino acid residue is found in multiple mammalian species, which suggests that this missense change does not adversely affect protein function. Algorithms developed to predict the effect of sequence changes on RNA splicing suggest that this variant may disrupt the consensus splice site. In summary, the available evidence is currently insufficient to determine the role of this variant in disease. Therefore, it has been classified as a Variant of Uncertain Significance.